The following is an entry in ClinVar:

NM_000443.4(ABCB4):c.2506G>A (p.Ala836Thr)

Gene: ABCB4 (ATP binding cassette subfamily B member 4; minus strand). Cytogenetic location: 7q21.12.
Variant type: single nucleotide variant.
Coding change: c.2506G>A on transcript NM_000443.4 (MANE Select); coding-DNA position 2506, G replaced by A.
Protein change: p.Ala836Thr; replaces alanine 836 with threonine.
Molecular consequence: missense variant.
Genome position (GRCh38, 1-based): chr7:87,417,488, C>T on the plus strand (G>A on the coding strand, the complement: ABCB4 is on the minus strand). VCF-style: chr7-87417488-C-T. GRCh37 (hg19) VCF-style: chr7-87046804-C-T.
Other names: c.2506G>A, p.Ala836Thr (NM_018849.3, NM_018850.3); short protein forms A836T.
Identifiers: ClinVar variation 4846404 (VCV004846404.1).
Genomic context (GRCh38, chr7:87,417,488, plus strand): 5'-ACTGCCAACCGTAGATAAATGATATGATAATACCAGTTCCAAGGTTAGCTATATTCTGTG[C>T]AATTAAAGCCAACCTGGTTCCTGTGGCCTGGGAGAGAAAAAGCACAAAGCAACTGTAGTT-3'
Protein context (NP_000434.1, residues 826-846): GATGTRLALI[Ala836Thr]QNIANLGTGI

ClinVar aggregate classification (germline): Uncertain significance (1 of 4 stars; one submission).

Conditions:
Low phospholipid associated cholelithiasis (GBD1). Also called: Gallbladder disease 1; Gallstone cholecystitis. Identifiers: Orphanet 69663, MedGen C2609268, MONDO:0010939, OMIM 600803.

Submission:

Genomenon, Inc
Classification: Uncertain significance for Low phospholipid associated cholelithiasis. Last evaluated: 2026-04-14. Review status: criteria provided, single submitter. Criteria: Genomenon Sequence Variant Interpretation Standards - Updated. Collection method: curation. Allele origin: germline. Affected: yes.
Comment: ABCB4 p.Ala836Thr (c.2506G>A) is a missense variant that changes the amino acid at residue 836 from Alanine to Threonine. This variant has been observed in at least one proband with an ABCB4-related disorder (PMID:31538484). It is absent or not present at a significant frequency in gnomAD. In conclusion, we classify ABCB4 p.Ala836Thr (c.2506G>A) as a variant of uncertain significance.

Literature cited by the submitters: PubMed 31538484.